The following is an entry in ClinVar:

ClinVar aggregate classification (germline): Likely pathogenic (1 of 4 stars; one submission).

Conditions:
Autosomal recessive limb-girdle muscular dystrophy type 2L (LGMDR12). Also called: Limb-girdle muscular dystrophy, type 2L; MUSCULAR DYSTROPHY, LIMB-GIRDLE, AUTOSOMAL RECESSIVE 12; Limb-Girdle Muscular Dystrophy R12 Anoctamin-5-Related (LGMD-R12). Identifiers: Orphanet 206549, MedGen C1969785, MONDO:0012652, OMIM 611307.
Gnathodiaphyseal dysplasia (GDD). Also called: GNATHODIAPHYSEAL SCLEROSIS; OSTEOGENESIS IMPERFECTA WITH UNUSUAL SKELETAL LESIONS. Identifiers: Orphanet 53697, MedGen C1833736, MONDO:0008151, OMIM 166260.

Submission:

Labcorp Genetics (formerly Invitae), Labcorp
Classification: Likely pathogenic for Autosomal recessive limb-girdle muscular dystrophy type 2L; Gnathodiaphyseal dysplasia. Last evaluated: 2022-01-14. Review status: criteria provided, single submitter. Criteria: Invitae Variant Classification Sherloc (09022015). Collection method: clinical testing. Allele origin: germline.
Comment: In summary, the currently available evidence indicates that the variant is pathogenic, but additional data are needed to prove that conclusively. Therefore, this variant has been classified as Likely Pathogenic. This variant has not been reported in the literature in individuals affected with ANO5-related conditions. This variant results in a copy number gain of the genomic region encompassing exon(s) 8-9 of the ANO5 gene. While the exact position of this variant cannot be determined from the data, sub-genic copy number gains are generally in tandem (PMID: 25640679). This variant is predicted to be out-of-frame, and may result in an absent or disrupted protein product. Loss-of-function variants in ANO5 are known to be pathogenic (PMID: 21186264, 23606453, 25891276, 30919934).

Literature cited by the submitters: PubMed 25640679; PubMed 21186264; PubMed 23606453; PubMed 25891276; PubMed 30919934.

NC_000011.9:g.(?_22257699)_(22261240_?)dup

Gene: ANO5 (anoctamin 5; plus strand). Cytogenetic location: 11p14.3.
Variant type: Duplication.
Identifiers: ClinVar variation 1350103 (VCV001350103.7).